The following is an entry in ClinVar:

NC_000016.9:g.(?_9892114)_(10032428_?)del

Gene: GRIN2A (glutamate ionotropic receptor NMDA type subunit 2A; minus strand). Cytogenetic location: 16p13.2.
Variant type: Deletion.
Identifiers: ClinVar variation 3243411 (VCV003243411.1).

ClinVar aggregate classification (germline): Pathogenic (1 of 4 stars; one submission).

Conditions:
Landau-Kleffner syndrome (FESD). Also called: EPILEPSY, FOCAL, WITH SPEECH DISORDER AND WITH OR WITHOUT MENTAL RETARDATION; APHASIA, ACQUIRED, WITH EPILEPSY. Identifiers: Orphanet 1945, Orphanet 725, Orphanet 98818, MedGen C0282512, MONDO:0009509, OMIM 245570.

Submission:

Labcorp Genetics (formerly Invitae), Labcorp
Classification: Pathogenic for Landau-Kleffner syndrome. Last evaluated: 2023-12-03. Review status: criteria provided, single submitter. Criteria: Invitae Variant Classification Sherloc (09022015). Collection method: clinical testing. Allele origin: unknown.
Comment: This variant is a gross deletion of the genomic region encompassing exon(s) 4-12 of the GRIN2A gene. This deletion is out-of-frame, and is expected to create a premature termination codon and result in an absent or disrupted protein product. Loss-of-function variants in GRIN2A are known to be pathogenic (PMID: 23933819, 23933820). This variant has not been reported in the literature in individuals affected with GRIN2A-related conditions. For these reasons, this variant has been classified as Pathogenic.

Literature cited by the submitters: PubMed 23933819; PubMed 23933820.